The following is an entry in ClinVar:

NM_017791.3(FLVCR2):c.*1040C>T

Gene: FLVCR2 (FLVCR choline and putative heme transporter 2; plus strand). Cytogenetic location: 14q24.3.
Variant type: single nucleotide variant.
Coding change: c.*1040C>T on transcript NM_017791.3 (MANE Select); 1040 bases downstream of the stop codon, C replaced by T.
Molecular consequence: 3 prime UTR variant.
Genome position (GRCh38, 1-based): chr14:75,647,512, C>T. VCF-style: chr14-75647512-C-T. GRCh37 (hg19) VCF-style: chr14-76113855-C-T.
Other names: c.*1040C>T (NM_001195283.2).
Identifiers: ClinVar variation 314429 (VCV000314429.5), dbSNP rs8017131, ClinGen allele CA10646199.
Genomic context (GRCh38, chr14:75,647,512, plus strand): 5'-CTTCTGAGAGATAAGAGGGAAGGGGTAGAAGGAAAGGTGCCCCTTGAAATGGGAATTGAG[C>T]CTGTTAGAATTAAAAGCTTATCTCACCTCTGCTGGGGACAGTATTTGCACCACCAACCCC-3'

ClinVar aggregate classification (germline): Benign (1 of 4 stars; one submission).

Conditions:
Posterior column ataxia-retinitis pigmentosa syndrome (RETSNS). Also called: RETINOPATHY-SENSORY NEUROPATHY SYNDROME. Identifiers: Orphanet 88628, MedGen C1836916, MONDO:0012177, OMIM 609033.

Allele frequency attached by ClinVar (database versions not stated): gnomAD 0.01752 and 0.01624; TOPMed 0.01804; 1000 Genomes Project 0.01717; 1000 Genomes Project 30x 0.01796.

Submission:

Illumina Laboratory Services, Illumina
Classification: Benign for Posterior column ataxia-retinitis pigmentosa syndrome. Last evaluated: 2018-01-13. Review status: criteria provided, single submitter. Criteria: ICSL Variant Classification Criteria 13 December 2019. Collection method: clinical testing. Allele origin: germline.
Comment: This variant was observed in the ICSL laboratory as part of a predisposition screen in an ostensibly healthy population. It had not been previously curated by ICSL or reported in the Human Gene Mutation Database (HGMD: prior to June 1st, 2018), and was therefore a candidate for classification through an automated scoring system. Utilizing variant allele frequency, disease prevalence and penetrance estimates, and inheritance mode, an automated score was calculated to assess if this variant is too frequent to cause the disease. Based on the score and internal cut-off values, a variant classified as benign is not then subjected to further curation. The score for this variant resulted in a classification of benign for this disease.